The following is an entry in ClinVar:

NM_001035.3(RYR2):c.7877G>A (p.Gly2626Glu)

Gene: RYR2 (ryanodine receptor 2; plus strand). Cytogenetic location: 1q43.
Variant type: single nucleotide variant.
Coding change: c.7877G>A on transcript NM_001035.3 (MANE Select); coding-DNA position 7877, G replaced by A.
Protein change: p.Gly2626Glu; replaces glycine 2626 with glutamic acid.
Molecular consequence: missense variant.
Genome position (GRCh38, 1-based): chr1:237,654,326, G>A. VCF-style: chr1-237654326-G-A. GRCh37 (hg19) VCF-style: chr1-237817626-G-A.
Other names: c.7877G>A (NM_001035.2); short protein forms G2626E.
Identifiers: ClinVar variation 3069387 (VCV003069387.2), dbSNP rs1358173766, ClinGen allele CA076038.

ClinVar aggregate classification (germline): Uncertain significance. Review status: criteria provided, multiple submitters, no conflicts (2 of 4 stars). 2 submissions from 2 submitters: Uncertain significance (2). Last evaluated 2026-09-06.

Conditions:
Catecholaminergic polymorphic ventricular tachycardia (CVPT). Also called: Catecholamine-induced polymorphic ventricular tachycardia. Identifiers: Orphanet 3286, MedGen C5574922, MONDO:0017990.
Cardiovascular phenotype. Identifiers: MedGen CN230736.

gnomAD v4.1: 2 of 1,613,938 alleles (0.00012%); highest among the groups gnomAD compares: South Asian, 0.0011%; no homozygotes.

Submissions (2):

Ambry Genetics
Classification: Uncertain significance for Cardiovascular phenotype. Last evaluated: 2026-09-06. Review status: criteria provided, single submitter. Criteria: Ambry Variant Classification Scheme 2023. Collection method: clinical testing. Allele origin: germline.
Comment: The p.G2626E variant (also known as c.7877G>A), located in coding exon 52 of the RYR2 gene, results from a G to A substitution at nucleotide position 7877. The glycine at codon 2626 is replaced by glutamic acid, an amino acid with similar properties. This amino acid position is conserved. In addition, this alteration is predicted to be deleterious by in silico analysis. Based on the available evidence, the clinical significance of this variant remains unclear.

All of Us Research Program, National Institutes of Health
Classification: Uncertain significance for Catecholaminergic polymorphic ventricular tachycardia. Last evaluated: 2023-02-15. Review status: criteria provided, single submitter. Criteria: ACMG Guidelines, 2015. Collection method: clinical testing. Allele origin: germline. Inheritance: Autosomal dominant inheritance. Observed: 1 variant allele, 1 heterozygote.
Comment: This missense variant replaces glycine with glutamic acid at codon 2626 of the RYR2 protein. Computational prediction suggests that this variant may have deleterious impact on protein structure and function (internally defined REVEL score threshold >= 0.7, PMID: 27666373). To our knowledge, functional studies have not been reported for this variant. This variant has not been reported in individuals affected with cardiovascular disorders in the literature. This variant has not been identified in the general population by the Genome Aggregation Database (gnomAD). The available evidence is insufficient to determine the role of this variant in disease conclusively. Therefore, this variant is classified as a Variant of Uncertain Significance.

This study involves interpretation of variants in research participants for the purpose of population health screening. Participant phenotype was not available at the time of variant classification. Additional details can be found in publication PMID: 35346344, PMCID: PMC8962531